The following is an entry in ClinVar:

NM_000368.5(TSC1):c.3296A>G (p.Lys1099Arg)

Gene: TSC1 (TSC complex subunit 1; minus strand). Cytogenetic location: 9q34.13.
Variant type: single nucleotide variant.
Coding change: c.3296A>G on transcript NM_000368.5 (MANE Select); coding-DNA position 3296, A replaced by G.
Protein change: p.Lys1099Arg; replaces lysine 1099 with arginine.
Molecular consequence: missense variant.
Genome position (GRCh38, 1-based): chr9:132,896,434, T>C on the plus strand (A>G on the coding strand, the complement: TSC1 is on the minus strand). VCF-style: chr9-132896434-T-C. GRCh37 (hg19) VCF-style: chr9-135771821-T-C.
Other names: c.3293A>G, p.Lys1098Arg (NM_001162426.2); c.3143A>G, p.Lys1048Arg (NM_001162427.2); c.2933A>G, p.Lys978Arg (NM_001362177.2); short protein forms K1099R, K1098R, K978R, K1048R.
Identifiers: ClinVar variation 233013 (VCV000233013.23), dbSNP rs876660132, ClinGen allele CA10578822.
Genomic context (GRCh38, chr9:132,896,434, plus strand): 5'-GTCTTTAGGCTCTCAGAAAGGCTACTGGTCATGCCGTCCTCATCACACTGGCTCTCGCTC[T>C]TATTACGAAATAACTCTCGAGCCTTCATACCCAGGAAGCTTTTTGAACTGGGAAGTGAGC-3'
Protein context (NP_000359.1, residues 1089-1109): GMKARELFRN[Lys1099Arg]SESQCDEDGM

ClinVar aggregate classification (germline): Conflicting classifications of pathogenicity. Review status: criteria provided, conflicting classifications (1 of 4 stars). 6 submissions from 6 submitters: Uncertain significance (3); Benign (1); Likely benign (2). Last evaluated 2025-10-28.

Conditions:
Hereditary cancer-predisposing syndrome. Also called: Hereditary Cancer Syndrome; Neoplastic Syndromes, Hereditary; Tumor predisposition; Hereditary neoplastic syndrome. Identifiers: Orphanet 140162, MedGen C0027672, MeSH D009386, MONDO:0015356.
Tuberous sclerosis syndrome (TSC). Also called: Tuberous sclerosis; Tuberous Sclerosis Complex. Identifiers: Orphanet 805, MedGen C0041341, MONDO:0001734.
Tuberous sclerosis 1 (TSC1). Identifiers: Orphanet 805, MedGen C1854465, MONDO:0008612, OMIM 191100.

Allele frequency attached by ClinVar (database versions not stated): TOPMed below 0.00001; gnomAD exomes 0.00001.
gnomAD v4.1: 15 of 1,614,226 alleles (0.00093%); highest among the groups gnomAD compares: African/African-American, 0.0027%; no homozygotes.

Submissions (6):

Labcorp Genetics (formerly Invitae), Labcorp
Classification: Benign for Tuberous sclerosis 1. Last evaluated: 2025-10-28. Review status: criteria provided, single submitter. Criteria: Invitae Variant Classification Sherloc (09022015). Collection method: clinical testing. Allele origin: germline.

Ambry Genetics
Classification: Likely benign for Hereditary cancer-predisposing syndrome. Last evaluated: 2024-12-17. Review status: criteria provided, single submitter. Criteria: Ambry Variant Classification Scheme 2023. Collection method: clinical testing. Allele origin: germline.

All of Us Research Program, National Institutes of Health
Classification: Uncertain significance for Tuberous sclerosis syndrome. Last evaluated: 2024-08-13. Review status: criteria provided, single submitter. Criteria: ACMG Guidelines, 2015. Collection method: clinical testing. Allele origin: germline. Inheritance: Autosomal dominant inheritance. Observed: 1 variant allele, 1 heterozygote.
Comment: This missense variant replaces lysine with arginine at codon 1099 of the TSC1 protein. Computational prediction suggests that this variant may not impact protein structure and function (internally defined REVEL score threshold <= 0.5, PMID: 27666373). To our knowledge, functional studies have not been reported for this variant. This variant has not been reported in individuals affected with TSC1-related disorders in the literature. This variant has not been identified in the general population by the Genome Aggregation Database (gnomAD). The available evidence is insufficient to determine the role of this variant in disease conclusively. Therefore, this variant is classified as a Variant of Uncertain Significance.

This study involves interpretation of variants in research participants for the purpose of population health screening. Participant phenotype was not available at the time of variant classification. Additional details can be found in publication PMID: 35346344, PMCID: PMC8962531

Color Diagnostics, LLC DBA Color Health
Classification: Uncertain significance for Tuberous sclerosis syndrome. Last evaluated: 2024-07-23. Review status: criteria provided, single submitter. Criteria: ACMG Guidelines, 2015. Collection method: clinical testing. Allele origin: germline.
Comment: This missense variant replaces lysine with arginine at codon 1099 of the TSC1 protein. Computational prediction suggests that this variant may not impact protein structure and function. To our knowledge, functional studies have not been reported for this variant. This variant has not been reported in individuals affected with TSC1-related disorders in the literature. This variant has not been identified in the general population by the Genome Aggregation Database (gnomAD). The available evidence is insufficient to determine the role of this variant in disease conclusively. Therefore, this variant is classified as a Variant of Uncertain Significance.

Genome-Nilou Lab
Classification: Uncertain significance for Tuberous sclerosis 1. Last evaluated: 2021-11-07. Review status: criteria provided, single submitter. Criteria: ACMG Guidelines, 2015. Collection method: clinical testing. Allele origin: germline. Affected: no.

GeneDx
Classification: Likely benign. Last evaluated: 2020-08-17. Review status: criteria provided, single submitter. Criteria: GeneDx Variant Classification Process June 2021. Collection method: clinical testing. Allele origin: germline. Affected: yes.